The following is an entry in ClinVar:

ClinVar aggregate classification (germline): Uncertain significance (1 of 4 stars; one submission).

Conditions:
Neuropathy, hereditary motor and sensory, type 6B (HMSN6B). Also called: Neuropathy, hereditary motor and sensory, type VIB; NEUROPATHY, HEREDITARY MOTOR AND SENSORY, TYPE VIB, WITH OPTIC ATROPHY; HMSN VIB; CHARCOT-MARIE-TOOTH DISEASE, TYPE 6B. Identifiers: MedGen C4225302, MONDO:0014671, OMIM 616505.

Allele frequency attached by ClinVar (database versions not stated): TOPMed below 0.00001; gnomAD 0.00001.
gnomAD v4.1: 2 of 1,561,502 alleles (0.00013%); highest among the groups gnomAD compares: African/African-American, 0.0027%; no homozygotes.

Submission:

Labcorp Genetics (formerly Invitae), Labcorp
Classification: Uncertain significance for Neuropathy, hereditary motor and sensory, type 6B. Last evaluated: 2019-07-19. Review status: criteria provided, single submitter. Criteria: Invitae Variant Classification Sherloc (09022015). Collection method: clinical testing. Allele origin: germline.
Comment: This variant has not been reported in the literature in individuals with SLC25A46-related conditions. This variant is not present in population databases (ExAC no frequency). This sequence change replaces glutamic acid with aspartic acid at codon 79 of the SLC25A46 protein (p.Glu79Asp). The glutamic acid residue is weakly conserved and there is a small physicochemical difference between glutamic acid and aspartic acid. In summary, the available evidence is currently insufficient to determine the role of this variant in disease. Therefore, it has been classified as a Variant of Uncertain Significance. Algorithms developed to predict the effect of missense changes on protein structure and function (SIFT, PolyPhen-2, Align-GVGD) all suggest that this variant is likely to be tolerated, but these predictions have not been confirmed by published functional studies and their clinical significance is uncertain.

NM_138773.4(SLC25A46):c.237A>C (p.Glu79Asp)

Gene: SLC25A46 (solute carrier family 25 member 46; plus strand). Cytogenetic location: 5q22.1.
Variant type: single nucleotide variant.
Coding change: c.237A>C on transcript NM_138773.4 (MANE Select); coding-DNA position 237, A replaced by C.
Protein change: p.Glu79Asp; replaces glutamic acid 79 with aspartic acid.
Molecular consequence: missense variant. On other transcripts: non-coding transcript variant (1), intron variant (1).
Genome position (GRCh38, 1-based): chr5:110,739,356, A>C. VCF-style: chr5-110739356-A-C. GRCh37 (hg19) VCF-style: chr5-110075057-A-C.
Other names: c.237A>C, p.Glu79Asp (NM_001303249.3); c.10+1109A>C (NM_001303250.3); short protein forms E79D.
Identifiers: ClinVar variation 960418 (VCV000960418.10), dbSNP rs1235999169, ClinGen allele CA360693419.
Genomic context (GRCh38, chr5:110,739,356, plus strand): 5'-GAAGAGCCCGCCCTACGGCGTGCCCACCACCTCCACCCCGTACGAAGGCCCCACGGAGGA[A>C]CCCTTTTCCAGTGGCGGCGGCGGCAGTGTGCAGGGGCAGAGCAGTGGTGAGAAGCATGGG-3'
Protein context (NP_620128.1, residues 69-89): TSTPYEGPTE[Glu79Asp]PFSSGGGGSV